The following is an entry in ClinVar:

NM_018051.5(DYNC2I1):c.2294T>C (p.Leu765Pro)

Gene: DYNC2I1 (dynein 2 intermediate chain 1; plus strand). Cytogenetic location: 7q36.3.
Variant type: single nucleotide variant.
Coding change: c.2294T>C on transcript NM_018051.5 (MANE Select); coding-DNA position 2294, T replaced by C.
Protein change: p.Leu765Pro; replaces leucine 765 with proline.
Molecular consequence: missense variant.
Genome position (GRCh38, 1-based): chr7:158,926,223, T>C. VCF-style: chr7-158926223-T-C. GRCh37 (hg19) VCF-style: chr7-158718914-T-C.
Other names: c.2156T>C, p.Leu719Pro (NM_001350914.2); c.1721T>C, p.Leu574Pro (NM_001350915.2); c.833T>C, p.Leu278Pro (NM_001350916.2); c.1046T>C, p.Leu349Pro (NM_001350917.2, NM_001350918.2); short protein forms L278P, L349P, L574P, L719P, L765P.
Identifiers: ClinVar variation 2630349 (VCV002630349.2), dbSNP rs2536411475, ClinGen allele CA370181407.

ClinVar aggregate classification (germline): Uncertain significance (0 of 4 stars; one submission).

Conditions:
DYNC2I1-related disorder. Also called: DYNC2I1-related condition.

Submission:

PreventionGenetics, part of Exact Sciences
Classification: Uncertain significance for DYNC2I1-related condition. Last evaluated: 2024-04-18. Review status: no assertion criteria provided. Collection method: clinical testing. Allele origin: germline.
Comment: The DYNC2I1 c.2294T>C variant is predicted to result in the amino acid substitution p.Leu765Pro. To our knowledge, this variant has not been reported in the literature or in a large population database, indicating this variant is rare. At this time, the clinical significance of this variant is uncertain due to the absence of conclusive functional and genetic evidence.